The following is an entry in ClinVar:

ClinVar aggregate classification (germline): Uncertain significance. Review status: criteria provided, multiple submitters, no conflicts (2 of 4 stars). 2 submissions from 2 submitters: Uncertain significance (2). Last evaluated 2025-03-12.

Conditions:
PCSK1-related disorder. Also called: PCSK1-related condition.

Allele frequency attached by ClinVar (database versions not stated): gnomAD exomes below 0.00001; TOPMed below 0.00001.
gnomAD v4.1: 2 of 1,614,104 alleles (0.00012%); highest among the groups gnomAD compares: East Asian, 0.0022%; no homozygotes.

Submissions (2):

PreventionGenetics, part of Exact Sciences
Classification: Uncertain significance for PCSK1-related condition. Last evaluated: 2025-03-12. Review status: criteria provided, single submitter. Criteria: ACMG Guidelines, 2015. Collection method: clinical testing. Allele origin: germline.
Comment: The PCSK1 c.2053C>T variant is predicted to result in the amino acid substitution p.Pro685Ser. To our knowledge, this variant has not been reported in the literature or in a large population database (gnomAD), indicating this variant is rare. At this time, the clinical significance of this variant is uncertain due to the absence of conclusive functional and genetic evidence.

Institute for Clinical Genetics, University Hospital TU Dresden, University Hospital TU Dresden
Classification: Uncertain significance. Last evaluated: 2021-11-03. Review status: criteria provided, single submitter. Criteria: ACMG Guidelines, 2015. Collection method: clinical testing. Allele origin: germline.

NM_000439.5(PCSK1):c.2053C>T (p.Pro685Ser)

Genes: CAST (calpastatin; plus strand), PCSK1 (proprotein convertase subtilisin/kexin type 1; minus strand), LOC101929710 (uncharacterized LOC101929710; plus strand). Cytogenetic location: 5q15.
Variant type: single nucleotide variant.
Coding change: c.2053C>T on transcript NM_000439.5 (MANE Select); coding-DNA position 2053, C replaced by T.
Protein change: p.Pro685Ser; replaces proline 685 with serine.
Molecular consequence: missense variant.
Genome position (GRCh38, 1-based): chr5:96,393,210, G>A on the plus strand (C>T on the coding strand, the complement: PCSK1 is on the minus strand). VCF-style: chr5-96393210-G-A. GRCh37 (hg19) VCF-style: chr5-95728914-G-A.
Other names: c.1912C>T, p.Pro638Ser (NM_001177875.2); short protein forms P638S, P685S.
Identifiers: ClinVar variation 1319422 (VCV001319422.4), dbSNP rs1760012407, ClinGen allele CA360476937.